The following is an entry in ClinVar:

NM_002661.5(PLCG2):c.3152T>A (p.Met1051Lys)

Gene: PLCG2 (phospholipase C gamma 2; plus strand). Cytogenetic location: 16q23.3.
Variant type: single nucleotide variant.
Coding change: c.3152T>A on transcript NM_002661.5 (MANE Select); coding-DNA position 3152, T replaced by A.
Protein change: p.Met1051Lys; replaces methionine 1051 with lysine.
Molecular consequence: missense variant.
Genome position (GRCh38, 1-based): chr16:81,937,857, T>A. VCF-style: chr16-81937857-T-A. GRCh37 (hg19) VCF-style: chr16-81971462-T-A.
Other names: c.3152T>A, p.Met1051Lys (NM_001425749.1, NM_001425750.1, NM_001425751.1); short protein forms M1051K.
Identifiers: ClinVar variation 3653780 (VCV003653780.2).
Genomic context (GRCh38, chr16:81,937,857, plus strand): 5'-ATGGGCGCACGGGCTACGTTCTGCAGCCTGAGAGCATGAGGACAGAGAAATATGACCCGA[T>A]GCCACCCGAGTCCCAGAGGAAGATCCTGATGACGCTGACAGTCAAGGTAAAGCCAGCCCT-3'
Protein context (NP_002652.2, residues 1041-1061): ESMRTEKYDP[Met1051Lys]PPESQRKILM

ClinVar aggregate classification (germline): Uncertain significance (1 of 4 stars; one submission).

Conditions:
Familial cold autoinflammatory syndrome 3 (FCAS3). Also called: FAMILIAL ATYPICAL COLD URTICARIA; ANTIBODY DEFICIENCY AND IMMUNE DYSREGULATION, PLCG2-ASSOCIATED. Identifiers: Orphanet 300359, MedGen C3280914, MONDO:0013766, OMIM 614468.

Submission:

Labcorp Genetics (formerly Invitae), Labcorp
Classification: Uncertain significance for Familial cold autoinflammatory syndrome 3. Last evaluated: 2024-05-18. Review status: criteria provided, single submitter. Criteria: Invitae Variant Classification Sherloc (09022015). Collection method: clinical testing. Allele origin: germline.
Comment: This sequence change replaces methionine, which is neutral and non-polar, with lysine, which is basic and polar, at codon 1051 of the PLCG2 protein (p.Met1051Lys). This variant is not present in population databases (gnomAD no frequency). This variant has not been reported in the literature in individuals affected with PLCG2-related conditions. An algorithm developed to predict the effect of missense changes on protein structure and function (PolyPhen-2) suggests that this variant is likely to be tolerated. In summary, the available evidence is currently insufficient to determine the role of this variant in disease. Therefore, it has been classified as a Variant of Uncertain Significance.